The following is an entry in ClinVar:

ClinVar aggregate classification (germline): Uncertain significance (0 of 4 stars; one submission).

Conditions:
COL11A1-related disorder. Also called: COL11A1-related condition; COL11A1-related disorders.

Allele frequency attached by ClinVar (database versions not stated): TOPMed below 0.00001; gnomAD 0.00001.
gnomAD v4.1: 1 of 1,613,520 alleles (0.000062%); highest among the groups gnomAD compares: Non-Finnish European, 0.000085%; no homozygotes.

Submission:

PreventionGenetics, part of Exact Sciences
Classification: Uncertain significance for COL11A1-related condition. Last evaluated: 2023-10-30. Review status: no assertion criteria provided. Collection method: clinical testing. Allele origin: germline.
Comment: The COL11A1 c.2899G>A variant is predicted to result in the amino acid substitution p.Gly967Arg. To our knowledge, this variant has not been reported in the literature or in a large population database, indicating this variant is rare. This variant affects a Gly residue of the conserved Gly-Xaa-Yaa triple helical domain (amino acid residues 529-1542), where substitutions of glycine are usually pathogenic (Richards et al. 2010. PubMed ID: 20513134). Of note, another variant impacting the same glycine residue (p.Gly967Val) has been reported in a patient with early-onset high myopia and was found to be inherited from an affected father (Family OFT-00191 in González-Iglesias et al. 2022. PubMed ID: 35457050). Although we suspect that the c.2899G>A (p.Gly967Arg) variant may be pathogenic, at this time, the clinical significance of this variant is uncertain due to the absence of conclusive functional and genetic evidence.

NM_001854.4(COL11A1):c.2899G>A (p.Gly967Arg)

Gene: COL11A1 (collagen type XI alpha 1 chain; minus strand). Cytogenetic location: 1p21.1.
Variant type: single nucleotide variant.
Coding change: c.2899G>A on transcript NM_001854.4 (MANE Select); coding-DNA position 2899, G replaced by A.
Protein change: p.Gly967Arg; replaces glycine 967 with arginine.
Molecular consequence: missense variant. On other transcripts: non-coding transcript variant (1).
Genome position (GRCh38, 1-based): chr1:102,965,504, C>T on the plus strand (G>A on the coding strand, the complement: COL11A1 is on the minus strand). VCF-style: chr1-102965504-C-T. GRCh37 (hg19) VCF-style: chr1-103431060-C-T.
Other names: c.2551G>A, p.Gly851Arg (NM_001168249.1, NM_080630.4); c.2782G>A, p.Gly928Arg (NM_001190709.2); c.2935G>A, p.Gly979Arg (NM_080629.3); short protein forms G851R, G928R, G967R, G979R.
Identifiers: ClinVar variation 3033739 (VCV003033739.2), dbSNP rs1321151186, ClinGen allele CA341159755.